The following is an entry in ClinVar:

NM_004082.5(DCTN1):c.2449C>A (p.Leu817Met)

Gene: DCTN1 (dynactin subunit 1; minus strand). Cytogenetic location: 2p13.1.
Variant type: single nucleotide variant.
Coding change: c.2449C>A on transcript NM_004082.5 (MANE Select); coding-DNA position 2449, C replaced by A.
Protein change: p.Leu817Met; replaces leucine 817 with methionine.
Molecular consequence: missense variant. On other transcripts: non-coding transcript variant (1).
Genome position (GRCh38, 1-based): chr2:74,366,800, G>T on the plus strand (C>A on the coding strand, the complement: DCTN1 is on the minus strand). VCF-style: chr2-74366800-G-T. GRCh37 (hg19) VCF-style: chr2-74593927-G-T.
Other names: c.2389C>A, p.Leu797Met (NM_001135040.3); c.2047C>A, p.Leu683Met (NM_001135041.3, NM_023019.4); c.2338C>A, p.Leu780Met (NM_001190836.2); c.2428C>A, p.Leu810Met (NM_001190837.2); c.2398C>A, p.Leu800Met (NM_001378991.1); c.2380C>A, p.Leu794Met (NM_001378992.1); short protein forms L683M, L780M, L794M, L797M, L800M, L810M, L817M.
Identifiers: ClinVar variation 4975528 (VCV004975528.1).

ClinVar aggregate classification (germline): Uncertain significance (1 of 4 stars; one submission).

Submission:

GeneDx
Classification: Uncertain significance. Last evaluated: 2026-01-30. Review status: criteria provided, single submitter. Criteria: GeneDx Variant Classification Process June 2021. Collection method: clinical testing. Allele origin: germline.
Comment: Not observed at significant frequency in large population cohorts (gnomAD); In silico analysis suggests that this missense variant does not alter protein structure/function; Has not been previously published as pathogenic or benign to our knowledge